The following is an entry in ClinVar:

NM_015898.4(ZBTB7A):c.1066T>C (p.Phe356Leu)

Gene: ZBTB7A (zinc finger and BTB domain containing 7A; minus strand). Cytogenetic location: 19p13.3.
Variant type: single nucleotide variant.
Coding change: c.1066T>C on transcript NM_015898.4 (MANE Select); coding-DNA position 1066, T replaced by C.
Protein change: p.Phe356Leu; replaces phenylalanine 356 with leucine.
Molecular consequence: missense variant.
Genome position (GRCh38, 1-based): chr19:4,054,167, A>G on the plus strand (T>C on the coding strand, the complement: ZBTB7A is on the minus strand). VCF-style: chr19-4054167-A-G. GRCh37 (hg19) VCF-style: chr19-4054165-A-G.
Other names: c.1066T>C, p.Phe356Leu (NM_001317990.2); short protein forms F356L.
Identifiers: ClinVar variation 3234353 (VCV003234353.20), dbSNP rs2040540956, ClinGen allele CA403363517.

ClinVar aggregate classification (germline): Likely benign (1 of 4 stars; one submission).

Allele frequency attached by ClinVar (database versions not stated): gnomAD exomes below 0.00001; TOPMed below 0.00001.
gnomAD v4.1: 5 of 1,601,364 alleles (0.00031%); highest among the groups gnomAD compares: Middle Eastern, 0.066%; no homozygotes.

Submission:

CeGaT Center for Human Genetics Tuebingen
Classification: Likely benign. Last evaluated: 2024-04-01. Review status: criteria provided, single submitter. Criteria: CeGaT Center For Human Genetics Tuebingen Variant Classification Criteria Version 2. Collection method: clinical testing. Allele origin: germline. Affected: yes. Observed: 1 variant allele.
Comment: ZBTB7A: PM2, PP2, BS2